The following is an entry in ClinVar:

NC_000002.11:g.(?_166847755)_(166872257_?)del

Gene: SCN1A (sodium voltage-gated channel alpha subunit 1; minus strand). Cytogenetic location: 2q24.3.
Variant type: Deletion.
Identifiers: ClinVar variation 1455370 (VCV001455370.8).

ClinVar aggregate classification (germline): Pathogenic (1 of 4 stars; one submission).

Conditions:
Developmental and epileptic encephalopathy. Identifiers: MedGen C5779964, MONDO:0100620.

Submission:

Labcorp Genetics (formerly Invitae), Labcorp
Classification: Pathogenic for Early-infantile DEE. Last evaluated: 2024-01-08. Review status: criteria provided, single submitter. Criteria: Invitae Variant Classification Sherloc (09022015). Collection method: clinical testing. Allele origin: germline.
Comment: This variant is a gross deletion of the genomic region encompassing exon(s) 17-26 of the SCN1A gene, which includes the termination codon. This deletion extends beyond the assayed region for this gene and therefore may encompass additional genes. While this deletion is not anticipated to lead to nonsense mediated decay, it is expected to alter mRNA translation or result in a truncated protein product. A similar copy number variant has been observed in individual(s) with Dravet syndrome (PMID: 23195492). In at least one individual the variant was observed to be de novo. For these reasons, this variant has been classified as Pathogenic.

Literature cited by the submitters: PubMed 23195492.